The following is an entry in ClinVar:

ClinVar aggregate classification (germline): Likely benign (1 of 4 stars; one submission).

Conditions:
Aneurysm-osteoarthritis syndrome. Also called: SMAD3-Related Loeys-Dietz Syndrome; ANEURYSMS-OSTEOARTHRITIS SYNDROME; Loeys-Dietz syndrome, type 1C; LOEYS-DIETZ SYNDROME WITH OSTEOARTHRITIS. Identifiers: Orphanet 284984, MedGen C3151087, MONDO:0013426, OMIM 613795.

Allele frequency attached by ClinVar (database versions not stated): gnomAD exomes below 0.00001.
gnomAD v4.1: 2 of 1,614,042 alleles (0.00012%); highest among the groups gnomAD compares: Non-Finnish European, 0.00017%; no homozygotes.

Submission:

All of Us Research Program, National Institutes of Health
Classification: Likely benign for Aneurysm-osteoarthritis syndrome. Last evaluated: 2023-06-26. Review status: criteria provided, single submitter. Criteria: ACMG Guidelines, 2015. Collection method: clinical testing. Allele origin: germline. Inheritance: Autosomal dominant inheritance. Observed: 1 variant allele, 1 heterozygote.
Comment: This study involves interpretation of variants in research participants for the purpose of population health screening. Participant phenotype was not available at the time of variant classification. Additional details can be found in publication PMID: 35346344, PMCID: PMC8962531

NM_005902.4(SMAD3):c.735G>A (p.Gly245=)

Gene: SMAD3 (SMAD family member 3; plus strand). Cytogenetic location: 15q22.33.
Variant type: single nucleotide variant.
Coding change: c.735G>A on transcript NM_005902.4 (MANE Select); coding-DNA position 735, G replaced by A.
Protein change: p.Gly245=; no amino-acid change (glycine 245 retained).
Molecular consequence: synonymous variant.
Genome position (GRCh38, 1-based): chr15:67,181,317, G>A. VCF-style: chr15-67181317-G-A. GRCh37 (hg19) VCF-style: chr15-67473655-G-A.
Other names: c.420G>A, p.Gly140= (NM_001145102.2, NM_001407016.1); c.603G>A, p.Gly201= (NM_001145103.2, NM_001407012.1); c.150G>A, p.Gly50= (NM_001145104.2, NM_001407017.1); c.735G>A, p.Gly245= (NM_001407011.1, NM_001407013.1); c.588G>A, p.Gly196= (NM_001407014.1); c.288G>A, p.Gly96= (NM_001407015.1).
Identifiers: ClinVar variation 3072135 (VCV003072135.1), dbSNP rs1464570865, ClinGen allele CA490914671.
Genomic context (GRCh38, chr15:67,181,317, plus strand): 5'-CTACTGCGAGCCGGCCTTCTGGTGCTCCATCTCCTACTACGAGCTGAACCAGCGCGTCGG[G>A]GAGACATTCCACGCCTCGCAGCCATCCATGACTGTGGATGGCTTCACCGACCCCTCCAAT-3'
Protein context (NP_005893.1, residues 235-255): ISYYELNQRV[Gly245=]ETFHASQPSM